The following is an entry in ClinVar:

NM_000018.4(ACADVL):c.1434+1G>A

Gene: ACADVL (acyl-CoA dehydrogenase very long chain; plus strand). Cytogenetic location: 17p13.1.
Variant type: single nucleotide variant.
Coding change: c.1434+1G>A on transcript NM_000018.4 (MANE Select); the canonical splice donor site of the intron after coding-DNA position 1434, G replaced by A.
Molecular consequence: splice donor variant.
Genome position (GRCh38, 1-based): chr17:7,224,070, G>A. VCF-style: chr17-7224070-G-A. GRCh37 (hg19) VCF-style: chr17-7127389-G-A.
Other names: c.1503+1G>A (NM_001270447.2); c.1206+1G>A (NM_001270448.2); c.1368+1G>A (NM_001033859.3).
Identifiers: ClinVar variation 4065102 (VCV004065102.2).

ClinVar aggregate classification (germline): Likely pathogenic (1 of 4 stars; one submission).

Conditions:
Very long chain acyl-CoA dehydrogenase deficiency (ACADVLD). Also called: VLCAD Deficiency; Very Long-Chain Acyl-Coenzyme A Dehydrogenase Deficiency. Identifiers: Orphanet 26793, MedGen C3887523, MONDO:0008723, OMIM 201475.

Submission:

Natera, Inc.
Classification: Likely pathogenic for Very long chain acyl-CoA dehydrogenase deficiency. Last evaluated: 2025-03-18. Review status: criteria provided, single submitter. Criteria: Natera Variant Classification Schema (03/2026). Collection method: clinical testing. Allele origin: germline.
Comment: The c.1434+1G>A variant in ACADVL is a canonical splice donor site variant predicted to affect pre-mRNA splicing, which may result in an abnormal transcript and altered protein product. This variant is expected to result in nonsense mediated decay, truncation, or a dysfunctional protein product. This variant is rare in the general population with a frequency below the threshold expected for the associated phenotype(s). Given the available evidence, this variant is classified as Likely Pathogenic.